The following is an entry in ClinVar:

ClinVar aggregate classification (germline): Benign/Likely benign. Review status: criteria provided, multiple submitters, no conflicts (2 of 4 stars). 10 submissions from 10 submitters: Benign (2); Likely benign (5). 3 of the submissions do not count toward it. Last evaluated 2026-08-01.

Conditions:
RAI1-related disorder. Also called: RAI1-related condition.
Inborn genetic diseases. Identifiers: MedGen C0950123, MeSH D030342.
Smith-Magenis syndrome (SMS). Also called: CHROMOSOME 17p11.2 DELETION SYNDROME. Identifiers: Orphanet 819, MedGen C0795864, MONDO:0008434, OMIM 182290.

Allele frequency attached by ClinVar (database versions not stated): 1000 Genomes Project 30x 0.00078; TOPMed 0.00048; ExAC 0.00059; gnomAD 0.00063 and 0.00067; gnomAD exomes 0.00060 and 0.00103; ESP Exome Variant Server 0.00062; 1000 Genomes Project 0.00100.

Submissions (10):

CeGaT Center for Human Genetics Tuebingen
Classification: Benign. Last evaluated: 2026-08-01. Review status: criteria provided, single submitter. Criteria: CeGaT Center For Human Genetics Tuebingen Variant Classification Criteria Version 2. Collection method: clinical testing. Allele origin: germline. Affected: yes. Observed: 10 variant alleles.
Comment: RAI1: BP4, BS1, BS2

Labcorp Genetics (formerly Invitae), Labcorp
Classification: Likely benign. Last evaluated: 2026-01-26. Review status: criteria provided, single submitter. Criteria: Invitae Variant Classification Sherloc (09022015). Collection method: clinical testing. Allele origin: germline.

Fulgent Genetics
Classification: Likely benign for Smith-Magenis syndrome. Last evaluated: 2022-01-07. Review status: criteria provided, single submitter. Criteria: ACMG Guidelines, 2015. Collection method: clinical testing. Allele origin: unknown.

Mendelics
Classification: Benign for Smith-Magenis syndrome. Last evaluated: 2019-05-28. Review status: criteria provided, single submitter. Criteria: Mendelics Assertion Criteria 2017. Collection method: clinical testing. Allele origin: unknown.

Ambry Genetics
Classification: Likely benign for Inborn genetic diseases. Last evaluated: 2017-03-31. Review status: criteria provided, single submitter. Criteria: Ambry Variant Classification Scheme 2023. Collection method: clinical testing. Allele origin: germline.

Genetic Services Laboratory, University of Chicago
Classification: Likely benign. Last evaluated: 2014-12-16. Review status: criteria provided, single submitter. Criteria: ACMG Guidelines, 2015. Collection method: clinical testing. Allele origin: germline.

Eurofins Ntd Llc (ga)
Classification: Likely benign. Last evaluated: 2014-11-03. Review status: criteria provided, single submitter. Criteria: EGL Classification Definitions 2015. Collection method: clinical testing. Allele origin: germline. Observed: 5 variant alleles, 5 heterozygotes.

PreventionGenetics, part of Exact Sciences
Classification: Likely benign for RAI1-related condition. Last evaluated: 2019-08-26. Review status: no assertion criteria provided. Collection method: clinical testing. Allele origin: germline. Not counted in ClinVar's aggregate classification.
Comment: This variant is classified as likely benign based on ACMG/AMP sequence variant interpretation guidelines (Richards et al. 2015 PMID: 25741868, with internal and published modifications).

Clinical Genetics DNA and cytogenetics Diagnostics Lab, Erasmus MC, Erasmus Medical Center
Classification: Likely benign. Review status: no assertion criteria provided. Collection method: clinical testing. Allele origin: germline. Affected: yes. Study: VKGL Data-share Consensus. Not counted in ClinVar's aggregate classification.

Genome Diagnostics Laboratory, University Medical Center Utrecht
Classification: Likely benign. Review status: no assertion criteria provided. Collection method: clinical testing. Allele origin: germline. Affected: yes. Study: VKGL Data-share Consensus. Not counted in ClinVar's aggregate classification.

NM_030665.4(RAI1):c.3650G>A (p.Arg1217Gln)

Gene: RAI1 (retinoic acid induced 1; plus strand). Cytogenetic location: 17p11.2.
Variant type: single nucleotide variant.
Coding change: c.3650G>A on transcript NM_030665.4 (MANE Select); coding-DNA position 3650, G replaced by A.
Protein change: p.Arg1217Gln; replaces arginine 1217 with glutamine.
Molecular consequence: missense variant.
Genome position (GRCh38, 1-based): chr17:17,796,598, G>A. VCF-style: chr17-17796598-G-A. GRCh37 (hg19) VCF-style: chr17-17699912-G-A.
Other names: short protein forms R1217Q.
Identifiers: ClinVar variation 167562 (VCV000167562.83), dbSNP rs142415050, ClinGen allele CA180363.